The following is an entry in ClinVar:

ClinVar aggregate classification (germline): Pathogenic (1 of 4 stars; one submission).

gnomAD v4.1: 1 of 1,611,240 alleles (0.000062%); highest among the groups gnomAD compares: Non-Finnish European, 0.000085%; no homozygotes.

Submission:

GeneDx
Classification: Pathogenic. Last evaluated: 2024-03-27. Review status: criteria provided, single submitter. Criteria: GeneDx Variant Classification Process June 2021. Collection method: clinical testing. Allele origin: germline. Affected: yes.
Comment: Observed heterozygous in a patient in published literature with seizures, hemiplegia, microcephaly, optic hypoplasia, developmental delay, and abnormal brain imaging including intracranial calcification (PMID: 22134833); Affects a glycine residue in a Gly-X-Y motif in the triple helical region of the COL4A1 gene, where the majority of pathogenic missense variants occur, and is predicted to disrupt normal protein folding and function (HGMD; PMID: 22522439, 23225343); Not observed at significant frequency in large population cohorts (gnomAD); In silico analysis supports that this missense variant has a deleterious effect on protein structure/function; This variant is associated with the following publications: (PMID: 22134833, 22522439, 23225343)

NM_001845.6(COL4A1):c.4133G>A (p.Gly1378Asp)

Gene: COL4A1 (collagen type IV alpha 1 chain; minus strand). Cytogenetic location: 13q34.
Variant type: single nucleotide variant.
Coding change: c.4133G>A on transcript NM_001845.6 (MANE Select); coding-DNA position 4133, G replaced by A.
Protein change: p.Gly1378Asp; replaces glycine 1378 with aspartic acid.
Molecular consequence: missense variant.
Genome position (GRCh38, 1-based): chr13:110,164,879, C>T on the plus strand (G>A on the coding strand, the complement: COL4A1 is on the minus strand). VCF-style: chr13-110164879-C-T. GRCh37 (hg19) VCF-style: chr13-110817226-C-T.
Other names: short protein forms G1378D.
Identifiers: ClinVar variation 3342451 (VCV003342451.1).
Genomic context (GRCh38, chr13:110,164,879, plus strand): 5'-TCTGGGCTCCCCATACCGCCCTGCACAGGCCAAGCCTTCTCACCTTGCTGGCCTTTCGGG[C>T]CTGGCAGTCCCTGAAGCCCTTTCAGCCCTGGGGGGCCCTCAGGACCAGGGAGCCCGGGCT-3'
Protein context (NP_001836.3, residues 1368-1388): PGLKGLQGLP[Gly1378Asp]PKGQQGVTGL